The following is an entry in ClinVar:

ClinVar aggregate classification (germline): Uncertain significance (1 of 4 stars; one submission).

Submission:

Labcorp Genetics (formerly Invitae), Labcorp
Classification: Uncertain significance. Last evaluated: 2025-01-06. Review status: criteria provided, single submitter. Criteria: Invitae Variant Classification Sherloc (09022015). Collection method: clinical testing. Allele origin: germline.
Comment: This sequence change replaces lysine, which is basic and polar, with asparagine, which is neutral and polar, at codon 132 of the GDF5 protein (p.Lys132Asn). This variant is not present in population databases (gnomAD no frequency). This variant has not been reported in the literature in individuals affected with GDF5-related conditions. ClinVar contains an entry for this variant (Variation ID: 2007691). Invitae Evidence Modeling of protein sequence and biophysical properties (such as structural, functional, and spatial information, amino acid conservation, physicochemical variation, residue mobility, and thermodynamic stability) indicates that this missense variant is not expected to disrupt GDF5 protein function with a negative predictive value of 80%. In summary, the available evidence is currently insufficient to determine the role of this variant in disease. Therefore, it has been classified as a Variant of Uncertain Significance.

NM_000557.5(GDF5):c.396G>T (p.Lys132Asn)

Gene: GDF5 (growth differentiation factor 5; minus strand). Cytogenetic location: 20q11.22.
Variant type: single nucleotide variant.
Coding change: c.396G>T on transcript NM_000557.5 (MANE Select); coding-DNA position 396, G replaced by T.
Protein change: p.Lys132Asn; replaces lysine 132 with asparagine.
Molecular consequence: missense variant.
Genome position (GRCh38, 1-based): chr20:35,437,533, C>A on the plus strand (G>T on the coding strand, the complement: GDF5 is on the minus strand). VCF-style: chr20-35437533-C-A. GRCh37 (hg19) VCF-style: chr20-34025313-C-A.
Other names: c.396G>T, p.Lys132Asn (NM_001319138.2); short protein forms K132N.
Identifiers: ClinVar variation 2007691 (VCV002007691.4), dbSNP rs2515426270, ClinGen allele CA408743801.